The following is an entry in ClinVar:

ClinVar aggregate classification (germline): Uncertain significance (1 of 4 stars; one submission).

Conditions:
Developmental and epileptic encephalopathy, 23 (DEE23). Also called: Epileptic encephalopathy, early infantile, 23. Identifiers: Orphanet 411986, MedGen C4014492, MONDO:0014371, OMIM 615859.

Allele frequency attached by ClinVar (database versions not stated): TOPMed below 0.00001.

Submission:

Labcorp Genetics (formerly Invitae), Labcorp
Classification: Uncertain significance for Developmental and epileptic encephalopathy, 23. Last evaluated: 2025-06-16. Review status: criteria provided, single submitter. Criteria: Invitae Variant Classification Sherloc (09022015). Collection method: clinical testing. Allele origin: germline.
Comment: This sequence change replaces glycine, which is neutral and non-polar, with arginine, which is basic and polar, at codon 906 of the DOCK7 protein (p.Gly906Arg). This variant is not present in population databases (gnomAD no frequency). This variant has not been reported in the literature in individuals affected with DOCK7-related conditions. ClinVar contains an entry for this variant (Variation ID: 1934535). Invitae Evidence Modeling of protein sequence and biophysical properties (such as structural, functional, and spatial information, amino acid conservation, physicochemical variation, residue mobility, and thermodynamic stability) indicates that this missense variant is not expected to disrupt DOCK7 protein function with a negative predictive value of 80%. In summary, the available evidence is currently insufficient to determine the role of this variant in disease. Therefore, it has been classified as a Variant of Uncertain Significance.

NM_001367561.1(DOCK7):c.2716G>A (p.Gly906Arg)

Gene: DOCK7 (dedicator of cytokinesis 7; minus strand). Cytogenetic location: 1p31.3.
Variant type: single nucleotide variant.
Coding change: c.2716G>A on transcript NM_001367561.1 (MANE Select); coding-DNA position 2716, G replaced by A.
Protein change: p.Gly906Arg; replaces glycine 906 with arginine.
Molecular consequence: missense variant.
Genome position (GRCh38, 1-based): chr1:62,552,782, C>T on the plus strand (G>A on the coding strand, the complement: DOCK7 is on the minus strand). VCF-style: chr1-62552782-C-T. GRCh37 (hg19) VCF-style: chr1-63018453-C-T.
Other names: c.2716G>A, p.Gly906Arg (NM_001271999.2, NM_001272000.2, NM_001272001.2 and 2 more transcripts); short protein forms G906R.
Identifiers: ClinVar variation 1934535 (VCV001934535.5), dbSNP rs1645951179, ClinGen allele CA340619873.
Genomic context (GRCh38, chr1:62,552,782, plus strand): 5'-TTCAGTTTACCTTACTCCCGATGATTGATCGAACTTCATCATCTGGTGACGTGGGAGTCC[C>T]AGATATATCTGGATTGCTATTACTAAGGCTTCGAGAACGATTTAAATTAAGGCTTGCAGG-3'
Protein context (NP_001354490.1, residues 896-916): SLSNSNPDIS[Gly906Arg]TPTSPDDEVR